The following is an entry in ClinVar:

NM_182925.5(FLT4):c.3076del (p.Glu1026fs)

Gene: FLT4 (fms related receptor tyrosine kinase 4; minus strand). Cytogenetic location: 5q35.3.
Variant type: Deletion.
Coding change: c.3076del on transcript NM_182925.5 (MANE Select); coding-DNA position 3076, one base deleted (G; older notation c.3076delG).
Protein change: p.Glu1026fs; shifts the reading frame from glutamic acid 1026.
Molecular consequence: frameshift variant.
Genome position (GRCh38, 1-based): chr5:180,616,920, C deleted on the plus strand (G on the coding strand, the reverse complement: FLT4 is on the minus strand); the first of 2 consecutive C bases (chr5:180,616,920-180,616,921); deleting either gives the same sequence. VCF-style (leftmost placement, unchanged base first): chr5-180616919-TC-T. GRCh37 (hg19) VCF-style: chr5-180043919-TC-T.
Other names: KP684482; c.3076del, p.Glu1026fs (NM_001354989.2, NM_002020.5); short protein forms E1026fs.
Identifiers: ClinVar variation 204353 (VCV000204353.3), dbSNP rs796052110, ClinGen allele CA251293.
Genomic context (GRCh38, chr5:180,616,919, plus strand): 5'-GCACCCTTTTCCCGTCTGAAGGGCCTTCGGGGGAAGCTCACCTTTCGGGAAGCCAGGAAC[TC>T]CATCCCTCTGGCCACCTGGAAGCTGTAGCAGACAAGATCTTCCATGGTCAGCGGGCTCAG-3'

ClinVar aggregate classification (germline): Uncertain significance (0 of 4 stars; one submission).

Conditions:
Carcinoma of colon (CRC). Also called: Colonic carcinoma; Colon carcinoma. Identifiers: MedGen C0699790, MONDO:0002032.

Submission:

Immunobiology Lab; University of Kashmir
Classification: Uncertain significance for Carcinoma of colon. Last evaluated: 2014-05-07. Review status: no assertion criteria provided. Collection method: case-control. Allele origin: somatic. Affected: yes. Study: Mutational Hotspot profiling of Tyrosine Kinase domain of VEGF receptors in Human colorectal tumors.
Comment: The variation(s) were confirmed by double pass sequencing of PCR products amplified from genomic DNA of colonic lesions fron colorectal patients